The following is an entry in ClinVar:

ClinVar aggregate classification (germline): Uncertain significance. Review status: criteria provided, multiple submitters, no conflicts (2 of 4 stars). 3 submissions from 3 submitters: Uncertain significance (3). Last evaluated 2024-11-07.

Conditions:
Cardiomyopathy (CMYO). Also called: Cardiomyopathies. Identifiers: Orphanet 167848, MedGen C0878544, MONDO:0004994, HP:0001638. Inheritance: Various modes of inheritance.
Atrial septal defect 5 (ASD5). Identifiers: Orphanet 1478, MedGen C2748552, MONDO:0013011, OMIM 612794.
Dilated cardiomyopathy 1R (CMD1R). Identifiers: Orphanet 154, Orphanet 54260, MedGen C3150681, MONDO:0013261, OMIM 613424.
Hypertrophic cardiomyopathy 11. Also called: ACTC1-Related Familial Hypertrophic Cardiomyopathy. Identifiers: MedGen C2677506, MONDO:0012799, OMIM 612098.

Allele frequency attached by ClinVar (database versions not stated): gnomAD exomes below 0.00001; TOPMed below 0.00001; gnomAD 0.00001; ESP Exome Variant Server 0.00008.
gnomAD v4.1: 8 of 1,613,970 alleles (0.0005%); highest among the groups gnomAD compares: Non-Finnish European, 0.00042%; no homozygotes.

Submissions (3):

Labcorp Genetics (formerly Invitae), Labcorp
Classification: Uncertain significance for Dilated cardiomyopathy 1R; Hypertrophic cardiomyopathy 11; Atrial septal defect 5. Last evaluated: 2024-11-07. Review status: criteria provided, single submitter. Criteria: Invitae Variant Classification Sherloc (09022015). Collection method: clinical testing. Allele origin: germline.
Comment: This sequence change replaces alanine, which is neutral and non-polar, with threonine, which is neutral and polar, at codon 367 of the ACTC1 protein (p.Ala367Thr). This variant is not present in population databases (gnomAD no frequency). This missense change has been observed in individual(s) with hypertrophic cardiomyopathy (PMID: 27532257, 37652022). ClinVar contains an entry for this variant (Variation ID: 925920). Invitae Evidence Modeling of protein sequence and biophysical properties (such as structural, functional, and spatial information, amino acid conservation, physicochemical variation, residue mobility, and thermodynamic stability) indicates that this missense variant is not expected to disrupt ACTC1 protein function with a negative predictive value of 80%. In summary, the available evidence is currently insufficient to determine the role of this variant in disease. Therefore, it has been classified as a Variant of Uncertain Significance.

Women's Health and Genetics/Laboratory Corporation of America, LabCorp
Classification: Uncertain significance. Last evaluated: 2020-07-20. Review status: criteria provided, single submitter. Criteria: LabCorp Variant Classification Summary - May 2015. Collection method: clinical testing. Allele origin: germline.
Comment: Variant summary: ACTC1 c.1099G>A (p.Ala367Thr) results in a non-conservative amino acid change in the encoded protein sequence. Three of five in-silico tools predict a damaging effect of the variant on protein function. The variant was absent in 251482 control chromosomes (gnomAD v2). The available data on variant occurrences in the general population are insufficient to allow any conclusion about variant significance. c.1099G>A has been reported in the literature in an individual affected with Hypertrophic Cardiomyopathy (HCM) (Walsh_2017). This report does not provide unequivocal conclusions about association of the variant with Cardiomyopathy. To our knowledge, no experimental evidence demonstrating an impact on protein function has been reported. One clinical diagnostic laboratory has submitted clinical-significance assessments for this variant to ClinVar after 2014, and classified the variant as uncertain significance. Based on the evidence outlined above, the variant was classified as uncertain significance.

Color Diagnostics, LLC DBA Color Health
Classification: Uncertain significance for Cardiomyopathy. Last evaluated: 2019-07-25. Review status: criteria provided, single submitter. Criteria: ACMG Guidelines, 2015. Collection method: clinical testing. Allele origin: germline.
Comment: This missense variant replaces alanine with threonine at codon 367 of the ACTC1 protein. Computational prediction tools and conservation analyses are inconclusive regarding the impact of this variant on the protein function. Computational splicing tools suggest that this variant may not impact RNA splicing. To our knowledge, functional assays have not been performed for this variant nor has this variant been reported in individuals affected with cardiovascular disorders in the literature. This variant has not been identified in the general population by the Genome Aggregation Database (gnomAD). Available evidence is insufficient to determine the role of this variant in disease conclusively. Therefore, this variant is classified as a Variant of Uncertain Significance.

Literature cited by the submitters: PubMed 27532257 (cited by Labcorp Genetics (formerly Invitae), Labcorp and Women's Health and Genetics/Laboratory Corporation of America, LabCorp); PubMed 37652022 (cited by Labcorp Genetics (formerly Invitae), Labcorp).

NM_005159.5(ACTC1):c.1099G>A (p.Ala367Thr)

Genes: ACTC1 (actin alpha cardiac muscle 1; minus strand), GJD2-DT (GJD2 divergent transcript; plus strand). Cytogenetic location: 15q14.
Variant type: single nucleotide variant.
Coding change: c.1099G>A on transcript NM_005159.5 (MANE Select); coding-DNA position 1099, G replaced by A.
Protein change: p.Ala367Thr; replaces alanine 367 with threonine.
Molecular consequence: missense variant.
Genome position (GRCh38, 1-based): chr15:34,790,447, C>T on the plus strand (G>A on the coding strand, the complement: ACTC1 is on the minus strand). VCF-style: chr15-34790447-C-T. GRCh37 (hg19) VCF-style: chr15-35082648-C-T.
Other names: short protein forms A367T.
Identifiers: ClinVar variation 925920 (VCV000925920.7), dbSNP rs370256882, ClinGen allele CA268660160.
Genomic context (GRCh38, chr15:34,790,447, plus strand): 5'-AAGGTAGATGGAGAGAGAAGGCATCTTAGAAGCATTTGCGGTGGACAATGGATGGGCCTG[C>T]CTCATCGTACTCTTGCTTGCTAATCCACATTTGCTGGAAGGTGGACAGAGAGGCCAGGAT-3'
Protein context (NP_005150.1, residues 357-377): MWISKQEYDE[Ala367Thr]GPSIVHRKCF